The following is an entry in ClinVar:

NM_153676.4(USH1C):c.614G>A (p.Arg205Gln)

Gene: USH1C (USH1 protein network component harmonin; minus strand). Cytogenetic location: 11p15.1.
Variant type: single nucleotide variant.
Coding change: c.614G>A on transcript NM_153676.4 (MANE Select); coding-DNA position 614, G replaced by A.
Protein change: p.Arg205Gln; replaces arginine 205 with glutamine.
Molecular consequence: missense variant. On other transcripts: non-coding transcript variant (1).
Genome position (GRCh38, 1-based): chr11:17,526,407, C>T on the plus strand (G>A on the coding strand, the complement: USH1C is on the minus strand). VCF-style: chr11-17526407-C-T. GRCh37 (hg19) VCF-style: chr11-17547954-C-T.
Other names: c.614G>A, p.Arg205Gln (NM_001297764.2, NM_005709.4); short protein forms R205Q.
Identifiers: ClinVar variation 1039054 (VCV001039054.3), dbSNP rs777321803, ClinGen allele CA5904939.

ClinVar aggregate classification (germline): Uncertain significance. Review status: criteria provided, single submitter (1 of 4 stars). 2 submissions from 2 submitters: Uncertain significance (1). 1 of the submissions does not count toward it. Last evaluated 2022-02-08.

Conditions:
Usher syndrome type 1C. Also called: USHER SYNDROME, TYPE I, ACADIAN VARIETY. Identifiers: Orphanet 231169, Orphanet 886, MedGen C1848604, MONDO:0010171, OMIM 276904.

Allele frequency attached by ClinVar (database versions not stated): ExAC 0.00001; gnomAD 0.00002; gnomAD exomes 0.00002; TOPMed 0.00002.
gnomAD v4.1: 32 of 1,613,942 alleles (0.002%); highest among the groups gnomAD compares: Non-Finnish European, 0.0025%; no homozygotes.

Submissions (2):

Labcorp Genetics (formerly Invitae), Labcorp
Classification: Uncertain significance. Last evaluated: 2022-02-08. Review status: criteria provided, single submitter. Criteria: Invitae Variant Classification Sherloc (09022015). Collection method: clinical testing. Allele origin: germline.
Comment: This sequence change replaces arginine, which is basic and polar, with glutamine, which is neutral and polar, at codon 205 of the USH1C protein (p.Arg205Gln). This variant is present in population databases (rs777321803, gnomAD 0.004%). This variant has not been reported in the literature in individuals affected with USH1C-related conditions. ClinVar contains an entry for this variant (Variation ID: 1039054). Algorithms developed to predict the effect of missense changes on protein structure and function output the following: SIFT: "Tolerated"; PolyPhen-2: "Benign"; Align-GVGD: "Class C0". The glutamine amino acid residue is found in multiple mammalian species, which suggests that this missense change does not adversely affect protein function. Algorithms developed to predict the effect of sequence changes on RNA splicing suggest that this variant may create or strengthen a splice site. In summary, the available evidence is currently insufficient to determine the role of this variant in disease. Therefore, it has been classified as a Variant of Uncertain Significance.

Natera, Inc.
Classification: Uncertain significance for Usher syndrome type 1C. Last evaluated: 2020-11-10. Review status: no assertion criteria provided. Collection method: clinical testing. Allele origin: germline. Not counted in ClinVar's aggregate classification.